The following is an entry in ClinVar:

NM_001318789.2(TLR2):c.242T>C (p.Leu81Pro)

Gene: TLR2 (toll like receptor 2; plus strand). Cytogenetic location: 4q31.3.
Variant type: single nucleotide variant.
Coding change: c.242T>C on transcript NM_001318789.2 (MANE Select); coding-DNA position 242, T replaced by C.
Protein change: p.Leu81Pro; replaces leucine 81 with proline.
Molecular consequence: missense variant.
Genome position (GRCh38, 1-based): chr4:153,703,149, T>C. VCF-style: chr4-153703149-T-C. GRCh37 (hg19) VCF-style: chr4-154624301-T-C.
Other names: c.242T>C, p.Leu81Pro (NM_001318787.2, NM_001318790.2, NM_001318791.2 and 4 more transcripts); short protein forms L81P.
Identifiers: ClinVar variation 3046109 (VCV003046109.2), dbSNP rs56303479, ClinGen allele CA3110689.

ClinVar aggregate classification (germline): Likely benign (0 of 4 stars; one submission).

Conditions:
TLR2-related disorder. Also called: TLR2-related condition.

Allele frequency attached by ClinVar (database versions not stated): TOPMed 0.00006; ESP Exome Variant Server 0.00008; gnomAD 0.00012; ExAC 0.00045; 1000 Genomes Project 30x 0.00047; 1000 Genomes Project 0.00060.
gnomAD v4.1: 297 of 1,614,236 alleles (0.018%); highest among the groups gnomAD compares: South Asian, 0.21%; 2 homozygotes.

Submission:

PreventionGenetics, part of Exact Sciences
Classification: Likely benign for TLR2-related condition. Last evaluated: 2019-11-12. Review status: no assertion criteria provided. Collection method: clinical testing. Allele origin: germline.
Comment: This variant is classified as likely benign based on ACMG/AMP sequence variant interpretation guidelines (Richards et al. 2015 PMID: 25741868, with internal and published modifications).